The following is an entry in ClinVar:

NM_001127198.5(TMC6):c.2414C>T (p.Ala805Val)

Gene: TMC6 (transmembrane channel like 6; minus strand). Cytogenetic location: 17q25.3.
Variant type: single nucleotide variant.
Coding change: c.2414C>T on transcript NM_001127198.5 (MANE Select); coding-DNA position 2414, C replaced by T.
Protein change: p.Ala805Val; replaces alanine 805 with valine.
Molecular consequence: missense variant. On other transcripts: non-coding transcript variant (4).
Genome position (GRCh38, 1-based): chr17:78,113,152, G>A on the plus strand (C>T on the coding strand, the complement: TMC6 is on the minus strand). VCF-style: chr17-78113152-G-A. GRCh37 (hg19) VCF-style: chr17-76109233-G-A.
Other names: c.2414C>T, p.Ala805Val (NM_007267.7, NM_001321185.1, NM_001374596.1 and 2 more transcripts); c.2234C>T, p.Ala745Val (NM_001374593.1, NM_001374594.1); short protein forms A745V, A805V.
Identifiers: ClinVar variation 3257510 (VCV003257510.17).

ClinVar aggregate classification (germline): Uncertain significance (1 of 4 stars; one submission).

gnomAD v4.1: 7 of 1,554,832 alleles (0.00045%); highest among the groups gnomAD compares: East Asian, 0.0096%; no homozygotes.

Submission:

CeGaT Center for Human Genetics Tuebingen
Classification: Uncertain significance. Last evaluated: 2024-07-01. Review status: criteria provided, single submitter. Criteria: CeGaT Center For Human Genetics Tuebingen Variant Classification Criteria Version 2. Collection method: clinical testing. Allele origin: germline. Affected: yes. Observed: 1 variant allele.
Comment: TMC6: PM2, BP4